The following is an entry in ClinVar:

ClinVar aggregate classification (germline): Uncertain significance (1 of 4 stars; one submission).

gnomAD v4.1: 1 of 1,614,206 alleles (0.000062%); highest among the groups gnomAD compares: Admixed American, 0.0017%; no homozygotes.

Submission:

Labcorp Genetics (formerly Invitae), Labcorp
Classification: Uncertain significance. Last evaluated: 2025-03-31. Review status: criteria provided, single submitter. Criteria: Invitae Variant Classification Sherloc (09022015). Collection method: clinical testing. Allele origin: germline.
Comment: This sequence change replaces tyrosine, which is neutral and polar, with histidine, which is basic and polar, at codon 526 of the IGF1R protein (p.Tyr526His). This variant is present in population databases (no rsID available, gnomAD 0.003%). This variant has not been reported in the literature in individuals affected with IGF1R-related conditions. ClinVar contains an entry for this variant (Variation ID: 2800687). Invitae Evidence Modeling of protein sequence and biophysical properties (such as structural, functional, and spatial information, amino acid conservation, physicochemical variation, residue mobility, and thermodynamic stability) indicates that this missense variant is not expected to disrupt IGF1R protein function with a negative predictive value of 80%. In summary, the available evidence is currently insufficient to determine the role of this variant in disease. Therefore, it has been classified as a Variant of Uncertain Significance.

NM_000875.5(IGF1R):c.1576T>C (p.Tyr526His)

Gene: IGF1R (insulin like growth factor 1 receptor; plus strand). Cytogenetic location: 15q26.3.
Variant type: single nucleotide variant.
Coding change: c.1576T>C on transcript NM_000875.5 (MANE Select); coding-DNA position 1576, T replaced by C.
Protein change: p.Tyr526His; replaces tyrosine 526 with histidine.
Molecular consequence: missense variant.
Genome position (GRCh38, 1-based): chr15:98,911,428, T>C. VCF-style: chr15-98911428-T-C. GRCh37 (hg19) VCF-style: chr15-99454657-T-C.
Other names: c.1576T>C, p.Tyr526His (NM_001291858.2); short protein forms Y526H.
Identifiers: ClinVar variation 2800687 (VCV002800687.3), dbSNP rs750559250, ClinGen allele CA393678055.